The following continues an entry in ClinVar:

NM_058216.3(RAD51C):c.428A>G (p.Gln143Arg)

Gene: RAD51C. ClinVar aggregate classification (germline): Conflicting classifications of pathogenicity. Uncertain significance (15); Likely benign (2).

Submissions 15 to 20 of 20:

Department of Pathology and Laboratory Medicine, Sinai Health System
Classification: Uncertain significance for Breast-ovarian cancer, familial, susceptibility to, 3. Last evaluated: 2023-05-05. Review status: criteria provided, single submitter. Criteria: ACMG Guidelines, 2015. Collection method: clinical testing. Allele origin: germline. Affected: yes.

Mayo Clinic Laboratories, Mayo Clinic
Classification: Uncertain significance. Last evaluated: 2021-12-20. Review status: criteria provided, single submitter. Criteria: ACMG Guidelines, 2015. Collection method: clinical testing. Allele origin: germline.

Genetic Services Laboratory, University of Chicago
Classification: Uncertain significance. Last evaluated: 2020-11-06. Review status: criteria provided, single submitter. Criteria: ACMG Guidelines, 2015. Collection method: clinical testing. Allele origin: germline. Affected: no.
Comment: DNA sequence analysis of the RAD51C gene demonstrated a sequence change, c.428A>G, in exon 3 that results in an amino acid change, p.Gln143Arg. This sequence change has been described in the gnomAD database with a frequency of 0.008% in the European sub-population (dbSNP rs587780255). The p.Gln143Arg change has been reported in individuals with breast or ovarian cancer and a breast cancer family, however co-segregation studies were not performed (PMID: 22451500, 22538716, 21537932, 26976419, 26720728, 26740214). The p.Gln143Arg change affects a highly conserved amino acid residue located in a domain of the RAD51C protein that is known to be functional. The p.Gln143Arg substitution appears to be deleterious using several in-silico pathogenicity prediction tools (SIFT, PolyPhen2, Align GVGD, REVEL). Functional studies demonstrated reduced protein activity, reduced homologous recombination activity, increased sensitivity to PARP inhibitors, and failure to suppress cell cycle accumulation compared to the wild-type protein (PMIDs: 22451500, 25292178). Due to insufficient evidence, the clinical significance of the p.Gln143Arg change remains unknown at this time.

PreventionGenetics, part of Exact Sciences
Classification: Uncertain significance for RAD51C-related condition. Last evaluated: 2024-07-16. Review status: no assertion criteria provided. Collection method: clinical testing. Allele origin: germline. Not counted in ClinVar's aggregate classification.
Comment: The RAD51C c.428A>G variant is predicted to result in the amino acid substitution p.Gln143Arg. This variant has been reported in individuals with a history of breast and ovarian cancer (Osorio et al. 2012. PubMed ID: 22451500; Supplementary Table 3, Loveday et al. 2012. PubMed ID: 22538716; Figure S4, Romero et al. 2011. PubMed ID: 21537932; Table A2, Tung et al. 2016. PubMed ID: 26976419; Table 1, Gevensleben et al. 2014. PubMed ID: 24993905; Table A3, Song et al. 2015. PubMed ID: 26261251; Norquist et al. 2016. PubMed ID: 26720728; Neidhardt et al. 2017. PubMed ID: 27622768). However, in the same family an unaffected maternal aunt was positive for the same variant (Figure 1B, Jønson et al. 2016. PubMed ID: 26740214). It has been reported in cases and controls from a breast cancer cohort study (Table S1, Lim et al. 2022. PubMed ID: 35039523). Functional studies of the RAD51C protein suggest this variant impacts protein activity (Osorio et al. 2012. PubMed ID: 22451500), specifically homologous recombination, sensitivity to polymerase inhibitors, and cell cycle function (Somyajit et al. 2015. PubMed ID: 25292178). This variant is reported in 0.0079% of alleles in individuals of European (Non-Finnish) descent in gnomAD and is interpreted as uncertain significance by the vast majority of ClinVar submitters. Although we suspect that this variant may be pathogenic, at this time, the clinical significance of this variant is uncertain due to the absence of conclusive functional and genetic evidence.

Counsyl
Classification: Uncertain significance for Fanconi anemia complementation group O; Breast-ovarian cancer, familial, susceptibility to, 3. Last evaluated: 2018-05-15. Review status: no assertion criteria provided. Collection method: clinical testing. Allele origin: unknown. Not counted in ClinVar's aggregate classification.

Leiden Open Variation Database
Classification: Likely pathogenic. Last evaluated: 2014-11-02. Review status: flagged submission. Collection method: curation. Allele origin: germline. Affected: yes. Not counted in ClinVar's aggregate classification.
Comment: Curator: Arleen D. Auerbach. Submitter to LOVD: Christine Rappaport.
ClinVar note: Reason: Outlier claim with insufficient supporting evidence

Literature cited by the submitters: PubMed 21537932 (cited by 3 submitters); PubMed 22451500 (cited by 4 submitters); PubMed 22538716 (cited by 4 submitters); PubMed 26720728 (cited by 4 submitters); PubMed 26740214 (cited by 6 submitters); PubMed 26976419 (cited by 4 submitters); PubMed 25292178 (cited by 3 submitters); PubMed 24800917 (cited by Ambry Genetics); PubMed 35039523 (cited by Ambry Genetics and Quest Diagnostics Nichols Institute San Juan Capistrano); PubMed 36099300 (cited by Ambry Genetics and Quest Diagnostics Nichols Institute San Juan Capistrano); PubMed 37253112 (cited by Ambry Genetics and Quest Diagnostics Nichols Institute San Juan Capistrano); PubMed 39299233 (cited by Ambry Genetics and Department of Clinical Genetics, Copenhagen University Hospital, Rigshospitalet); PubMed 23117857 (cited by Quest Diagnostics Nichols Institute San Juan Capistrano); PubMed 27622768 (cited by 3 submitters); PubMed 24993905 (cited by Quest Diagnostics Nichols Institute San Juan Capistrano and Department of Pathology and Laboratory Medicine, Sinai Health System); PubMed 36977404 (cited by Quest Diagnostics Nichols Institute San Juan Capistrano); PubMed 33359728 (cited by Quest Diagnostics Nichols Institute San Juan Capistrano); PubMed 26261251 (cited by Quest Diagnostics Nichols Institute San Juan Capistrano and Counsyl); PubMed 39440754 (cited by Quest Diagnostics Nichols Institute San Juan Capistrano); PubMed 31078974 (cited by Quest Diagnostics Nichols Institute San Juan Capistrano); PubMed 28829762 (cited by Quest Diagnostics Nichols Institute San Juan Capistrano); PubMed 33471991 (cited by Quest Diagnostics Nichols Institute San Juan Capistrano and Department of Pathology and Laboratory Medicine, Sinai Health System); PubMed 25085752 (cited by Myriad Genetics, Inc.); PubMed 20400963 (cited by Department of Clinical Genetics, Copenhagen University Hospital, Rigshospitalet); PubMed 25470109 (cited by Counsyl).